The following is an entry in ClinVar:

NM_004168.4(SDHA):c.166C>A (p.Pro56Thr)

Gene: SDHA (succinate dehydrogenase complex flavoprotein subunit A; plus strand). Cytogenetic location: 5p15.33.
Variant type: single nucleotide variant.
Coding change: c.166C>A on transcript NM_004168.4 (MANE Select); coding-DNA position 166, C replaced by A.
Protein change: p.Pro56Thr; replaces proline 56 with threonine.
Molecular consequence: missense variant.
Genome position (GRCh38, 1-based): chr5:224,375, C>A. VCF-style: chr5-224375-C-A. GRCh37 (hg19) VCF-style: chr5-224490-C-A.
Other names: c.166C>A (NM_004168.2); c.166C>A, p.Pro56Thr (NM_001294332.2, NM_001330758.2); short protein forms P56T.
Identifiers: ClinVar variation 1460722 (VCV001460722.8), dbSNP rs2126542374, ClinGen allele CA359008399.

ClinVar aggregate classification (germline): Uncertain significance. Review status: criteria provided, multiple submitters, no conflicts (2 of 4 stars). 3 submissions from 3 submitters: Uncertain significance (3). Last evaluated 2024-12-04.

Conditions:
Hereditary cancer-predisposing syndrome. Also called: Neoplastic Syndromes, Hereditary; Hereditary Cancer Syndrome; Hereditary neoplastic syndrome; Tumor predisposition. Identifiers: Orphanet 140162, MedGen C0027672, MeSH D009386, MONDO:0015356.
Dilated cardiomyopathy 1GG (CMD1GG). Identifiers: Orphanet 154, MedGen C3150898, MONDO:0013339, OMIM 613642.
Mitochondrial complex II deficiency, nuclear type 1. Also called: SUCCINATE CoQ REDUCTASE DEFICIENCY. Identifiers: Orphanet 3208, MedGen C5700310, MONDO:0100294, OMIM 252011.
Pheochromocytoma/paraganglioma syndrome 5. Also called: Paragangliomas 5; SDHA-Related Hereditary Paraganglioma-Pheochromocytoma Syndrome. Identifiers: Orphanet 29072, MedGen C3279992, MONDO:0013602, OMIM 614165.

Allele frequency attached by ClinVar (database versions not stated): gnomAD exomes below 0.00001.
gnomAD v4.1: 3 of 1,613,436 alleles (0.00019%); highest among the groups gnomAD compares: Non-Finnish European, 0.00025%; no homozygotes.

Submissions (3):

Labcorp Genetics (formerly Invitae), Labcorp
Classification: Uncertain significance for Pheochromocytoma/paraganglioma syndrome 5; Mitochondrial complex II deficiency, nuclear type 1. Last evaluated: 2024-12-04. Review status: criteria provided, single submitter. Criteria: Invitae Variant Classification Sherloc (09022015). Collection method: clinical testing. Allele origin: germline.
Comment: This sequence change replaces proline, which is neutral and non-polar, with threonine, which is neutral and polar, at codon 56 of the SDHA protein (p.Pro56Thr). This variant is not present in population databases (gnomAD no frequency). This variant has not been reported in the literature in individuals affected with SDHA-related conditions. ClinVar contains an entry for this variant (Variation ID: 1460722). Invitae Evidence Modeling of protein sequence and biophysical properties (such as structural, functional, and spatial information, amino acid conservation, physicochemical variation, residue mobility, and thermodynamic stability) indicates that this missense variant is not expected to disrupt SDHA protein function with a negative predictive value of 95%. In summary, the available evidence is currently insufficient to determine the role of this variant in disease. Therefore, it has been classified as a Variant of Uncertain Significance.

Ambry Genetics
Classification: Uncertain significance for Hereditary cancer-predisposing syndrome. Last evaluated: 2024-05-17. Review status: criteria provided, single submitter. Criteria: Ambry Variant Classification Scheme 2023. Collection method: clinical testing. Allele origin: germline.
Comment: The p.P56T variant (also known as c.166C>A), located in coding exon 3 of the SDHA gene, results from a C to A substitution at nucleotide position 166. The proline at codon 56 is replaced by threonine, an amino acid with highly similar properties. This amino acid position is conserved. In addition, the in silico prediction for this alteration is inconclusive. Based on the available evidence, the clinical significance of this variant remains unclear.

Baylor Genetics
Classification: Uncertain significance for Dilated cardiomyopathy 1GG. Last evaluated: 2023-10-18. Review status: criteria provided, single submitter. Criteria: ACMG Guidelines, 2015. Collection method: clinical testing. Allele origin: unknown.